The following is an entry in ClinVar:

NM_021815.5(SLC5A7):c.1676A>G (p.Asn559Ser)

Gene: SLC5A7 (solute carrier family 5 member 7; plus strand). Cytogenetic location: 2q12.3.
Variant type: single nucleotide variant.
Coding change: c.1676A>G on transcript NM_021815.5 (MANE Select); coding-DNA position 1676, A replaced by G.
Protein change: p.Asn559Ser; replaces asparagine 559 with serine.
Molecular consequence: missense variant.
Genome position (GRCh38, 1-based): chr2:108,010,794, A>G. VCF-style: chr2-108010794-A-G. GRCh37 (hg19) VCF-style: chr2-108627250-A-G.
Other names: c.1676A>G, p.Asn559Ser (NM_001305005.3); c.1361A>G, p.Asn454Ser (NM_001305006.3); c.935A>G, p.Asn312Ser (NM_001305007.3); short protein forms N312S, N454S, N559S.
Identifiers: ClinVar variation 2950719 (VCV002950719.3), dbSNP rs1678299533, ClinGen allele CA348115107.
Genomic context (GRCh38, chr2:108,010,794, plus strand): 5'-TAGATGAACTTGCACTTGTGAAGCCACGACAGAGCATGACCCTCAGCTCAACTTTCACCA[A>G]TAAAGAGGCCTTCCTTGATGTTGATTCCAGTCCAGAAGGGTCTGGGACTGAAGATAATTT-3'
Protein context (NP_068587.1, residues 549-569): QSMTLSSTFT[Asn559Ser]KEAFLDVDSS

ClinVar aggregate classification (germline): Uncertain significance (1 of 4 stars; one submission).

Conditions:
Neuronopathy, distal hereditary motor, type 7A. Also called: Neuronopathy, distal hereditary motor, type viia; NEURONOPATHY, DISTAL HEREDITARY MOTOR, HARDING TYPE VIIA; NEUROPATHY, DISTAL HEREDITARY MOTOR, HARDING TYPE VIIA; Neuronopathy, distal hereditary motor, autosomal dominant 7; HARPER-YOUNG MYOPATHY; HMN VIIA. Identifiers: Orphanet 139589, MedGen C1834703, MONDO:0008024, OMIM 158580.
Congenital myasthenic syndrome 20. Also called: Myasthenic syndrome, congenital, 20, presynaptic. Identifiers: MedGen C4310694, MONDO:0014939, OMIM 617143.

Allele frequency attached by ClinVar (database versions not stated): gnomAD exomes below 0.00001; gnomAD 0.00001.
gnomAD v4.1: 2 of 1,612,948 alleles (0.00012%); highest among the groups gnomAD compares: East Asian, 0.0022%; no homozygotes.

Submission:

Labcorp Genetics (formerly Invitae), Labcorp
Classification: Uncertain significance for Neuronopathy, distal hereditary motor, type 7A; Congenital myasthenic syndrome 20. Last evaluated: 2023-09-10. Review status: criteria provided, single submitter. Criteria: Invitae Variant Classification Sherloc (09022015). Collection method: clinical testing. Allele origin: germline.
Comment: This sequence change replaces asparagine, which is neutral and polar, with serine, which is neutral and polar, at codon 559 of the SLC5A7 protein (p.Asn559Ser). This variant is not present in population databases (gnomAD no frequency). This variant has not been reported in the literature in individuals affected with SLC5A7-related conditions. An algorithm developed to predict the effect of missense changes on protein structure and function (PolyPhen-2) suggests that this variant is likely to be tolerated. In summary, the available evidence is currently insufficient to determine the role of this variant in disease. Therefore, it has been classified as a Variant of Uncertain Significance.